The following is an entry in ClinVar:

ClinVar aggregate classification (germline): Uncertain significance (1 of 4 stars; one submission).

Conditions:
Zellweger spectrum disorders (ZS). Also called: Zellweger Spectrum Disorder; Zellweger Spectrum; Zellweger syndrome; Zellweger Spectrum Disorder (ZSD). Identifiers: Orphanet 912, MedGen C0043459, MONDO:0019609.

gnomAD v4.1: 2 of 1,613,680 alleles (0.00012%); highest among the groups gnomAD compares: Non-Finnish European, 0.00017%; no homozygotes.

Submission:

Labcorp Genetics (formerly Invitae), Labcorp
Classification: Uncertain significance for Zellweger spectrum disorders. Last evaluated: 2024-10-26. Review status: criteria provided, single submitter. Criteria: Invitae Variant Classification Sherloc (09022015). Collection method: clinical testing. Allele origin: germline.
Comment: This sequence change replaces glutamine, which is neutral and polar, with glutamic acid, which is acidic and polar, at codon 815 of the PEX1 protein (p.Gln815Glu). This variant is not present in population databases (gnomAD no frequency). This variant has not been reported in the literature in individuals affected with PEX1-related conditions. ClinVar contains an entry for this variant (Variation ID: 1994907). Invitae Evidence Modeling of protein sequence and biophysical properties (such as structural, functional, and spatial information, amino acid conservation, physicochemical variation, residue mobility, and thermodynamic stability) indicates that this missense variant is not expected to disrupt PEX1 protein function with a negative predictive value of 95%. In summary, the available evidence is currently insufficient to determine the role of this variant in disease. Therefore, it has been classified as a Variant of Uncertain Significance.

NM_000466.3(PEX1):c.2443C>G (p.Gln815Glu)

Gene: PEX1 (peroxisomal biogenesis factor 1; minus strand). Cytogenetic location: 7q21.2.
Variant type: single nucleotide variant.
Coding change: c.2443C>G on transcript NM_000466.3 (MANE Select); coding-DNA position 2443, C replaced by G.
Protein change: p.Gln815Glu; replaces glutamine 815 with glutamic acid.
Molecular consequence: missense variant.
Genome position (GRCh38, 1-based): chr7:92,501,647, G>C on the plus strand (C>G on the coding strand, the complement: PEX1 is on the minus strand). VCF-style: chr7-92501647-G-C. GRCh37 (hg19) VCF-style: chr7-92130961-G-C.
Other names: c.2272C>G, p.Gln758Glu (NM_001282677.2); c.1819C>G, p.Gln607Glu (NM_001282678.2); short protein forms Q758E, Q607E, Q815E.
Identifiers: ClinVar variation 1994907 (VCV001994907.4), dbSNP rs1306607552, ClinGen allele CA368176351.
Genomic context (GRCh38, chr7:92,501,647, plus strand): 5'-TAGGTTTATGCAGGTTGACACTTCGCAAAGACGCAGGAAGAAATCCGCGGAGAGCCTTTT[G>C]GAAGTCCAATGTTGTTAAAACTAATTCTGTTTAAAAATAAACAAAACTTCTTTTACTAGT-3'
Protein context (NP_000457.1, residues 805-825): EKLVLTTLDF[Gln815Glu]KALRGFLPAS